The following is an entry in ClinVar:

ClinVar aggregate classification (germline): Pathogenic. Review status: criteria provided, multiple submitters, no conflicts (2 of 4 stars). 11 submissions from 10 submitters: Pathogenic (9). 2 of the submissions do not count toward it. Last evaluated 2025-03-20.

Conditions:
TRIM32-related disorder. Also called: TRIM32-related condition.
Bardet-Biedl syndrome (BBS). Identifiers: Orphanet 110, MedGen C0752166, MONDO:0015229.
Bardet-Biedl syndrome 11 (BBS11). Identifiers: MONDO:0014439, OMIM 615988, Orphanet 110, MedGen C1859569.
Sarcotubular myopathy (LGMDR8). Also called: MUSCULAR DYSTROPHY, LIMB-GIRDLE, AUTOSOMAL RECESSIVE 8; Limb-girdle muscular dystrophy, type 2H; Autosomal recessive limb-girdle muscular dystrophy type 2H; Hutterite type of muscular dystrophy. Identifiers: Orphanet 1878, MedGen C0270968, MONDO:0009683, OMIM 254110.
Myopathy. Identifiers: MedGen C0026848, MeSH D009135, MONDO:0005336, HP:0003198.
Retinal dystrophy. Also called: Inherited retinal dystrophy. Identifiers: Orphanet 71862, MedGen C0854723, MeSH D058499, MONDO:0019118, HP:0000556.

Allele frequency attached by ClinVar (database versions not stated): gnomAD exomes 0.00001; TOPMed 0.00001.
gnomAD v4.1: 6 of 1,614,230 alleles (0.00037%); highest among the groups gnomAD compares: Non-Finnish European, 0.00051%; no homozygotes.

Submissions (11):

Revvity Omics, Revvity
Classification: Pathogenic. Last evaluated: 2025-03-20. Review status: criteria provided, single submitter. Criteria: ACMG Guidelines, 2015. Collection method: clinical testing. Allele origin: germline.

Dasa
Classification: Pathogenic. Last evaluated: 2025-02-02. Review status: criteria provided, single submitter. Criteria: DASA Assertion Criteria. Collection method: clinical testing. Allele origin: germline.
Comment: NM_012210.4(TRIM32):c.1459G>A (p.Asp487Asn) is a missense variant that results in the substitution of aspartic acid with asparagine. Segregation evidence has been reported in affected families. This variant has been observed in affected individuals with related phenotype in a genotype context consistent with recessive disease (PMID: 11822024; PMID: 15786463; PMID: 23142638; PMID: 21775502). Functional evidence supports a deleterious effect on the gene or gene product (PMID: 11822024; PMID: 15786463; PMID: 23142638; PMID: 21775502). This variant has been recurrently observed in individuals with related phenotype (PMID: 11822024; PMID: 15786463; PMID: 23142638; PMID: 21775502). The variant is present at low frequency in population datasets. Based on the available data, this variant is classified as pathogenic.

Blueprint Genetics
Classification: Pathogenic for TRIM32-related disorders. Last evaluated: 2024-10-10. Review status: criteria provided, single submitter. Criteria: ACMG Guidelines, 2015. Collection method: clinical testing. Allele origin: germline. Affected: yes. Observed: 5 variant alleles.

Labcorp Genetics (formerly Invitae), Labcorp
Classification: Pathogenic for Bardet-Biedl syndrome. Last evaluated: 2024-07-24. Review status: criteria provided, single submitter. Criteria: Invitae Variant Classification Sherloc (09022015). Collection method: clinical testing. Allele origin: germline.
Comment: This sequence change replaces aspartic acid, which is acidic and polar, with asparagine, which is neutral and polar, at codon 487 of the TRIM32 protein (p.Asp487Asn). This variant is present in population databases (rs111033570, gnomAD 0.002%). This missense change has been observed in individual(s) with limb-girdle muscular dystrophy type 2H and sarcotubular myopathy (PMID: 11822024, 15786463, 23142638). It is commonly reported in individuals of Hutterite ancestry (PMID: 11822024, 15786463, 23142638). ClinVar contains an entry for this variant (Variation ID: 7350). An algorithm developed to predict the effect of missense changes on protein structure and function (PolyPhen-2) suggests that this variant is likely to be disruptive. Experimental studies have shown that this missense change affects TRIM32 function (PMID: 21775502). For these reasons, this variant has been classified as Pathogenic.

Institute of Human Genetics Munich, TUM University Hospital
Classification: Pathogenic for Sarcotubular myopathy. Last evaluated: 2023-07-10. Review status: criteria provided, single submitter. Criteria: Classification criteria August 2017. Collection method: clinical testing. Allele origin: germline. Inheritance: Autosomal recessive inheritance. Affected: yes. Observed: 1 variant allele.

Institute of Human Genetics, Univ. Regensburg, Univ. Regensburg
Classification: Pathogenic for Retinal dystrophy. Last evaluated: 2022-01-01. Review status: criteria provided, single submitter. Criteria: ACMG Guidelines, 2015. Collection method: clinical testing. Allele origin: germline. Affected: yes.

Broad Center for Mendelian Genomics, Broad Institute of MIT and Harvard
Classification: Pathogenic for Sarcotubular myopathy. Last evaluated: 2018-12-03. Review status: criteria provided, single submitter. Criteria: ACMG Guidelines, 2015. Collection method: research. Allele origin: germline. Inheritance: Autosomal recessive inheritance. Affected: yes.
Comment: This variant has been identified in 0.001791% (2/111664) of European (non-Finnish) chromosomes by the Genome Aggregation Database (gnomAD; dbSNP rs111033570). Although this variant has been seen in the general population, its frequency is low enough to be consistent with a recessive carrier frequency. Computational prediction tools and conservation analyses do not provide strong support for or against an impact to the protein. The p.Asp487Asn variant in TRIM32 has been reported in 55 Hutterite individuals with LGMD and segregated with disease in 8 affected relatives from 3 families (PMID: 11822024, 15786463). Animal models in mice have shown that this variant causes Limb-Girdle Muscular Dystrophy by lowering protein stability but not mRNA levels. Knock-in mice with this variant showed a similar neuromuscular phenotype to trim32 knock-out mice, supporting pathogenicity as a loss of function variant (PMID: 21775502). This variant has also been reported pathogenic in ClinVar by multiple submitters (Variation ID: 7350). In summary, the p.Asp487Asn variant is pathogenic. ACMG/AMP Criteria applied: PM2, PP1_Strong, PS3 (Richards 2015).

Centre for Mendelian Genomics, University Medical Centre Ljubljana
Classification: Pathogenic for Bardet-Biedl syndrome 11. Last evaluated: 2016-01-01. Review status: criteria provided, single submitter. Criteria: ACMG Guidelines, 2015. Collection method: clinical testing. Allele origin: unknown. Affected: yes.
Comment: This variant was classified as: Pathogenic. This variant was detected in homozygous state.

Centre for Mendelian Genomics, University Medical Centre Ljubljana
Classification: Pathogenic for Myopathy. Last evaluated: 2015-04-08. Review status: criteria provided, single submitter. Criteria: ACMG Guidelines, 2015. Collection method: clinical testing. Allele origin: unknown. Affected: yes.

PreventionGenetics, part of Exact Sciences
Classification: Pathogenic for TRIM32-related condition. Last evaluated: 2024-08-02. Review status: no assertion criteria provided. Collection method: clinical testing. Allele origin: germline. Not counted in ClinVar's aggregate classification.
Comment: The TRIM32 c.1459G>A variant is predicted to result in the amino acid substitution p.Asp487Asn. This variant is reported in many individuals to be causative for autosomal recessive limb-girdle muscular dystrophy type 2H (Frosk et al. 2002. PubMed ID: 11822024). Functional studies in mice suggest this variant causes destabilization and degradation of the protein and results in reduced protein levels (Kudryashova et al. 2011. PubMed ID: 21775502). This variant is reported in 0.0018% of alleles in individuals of European (Non-Finnish) descent in gnomAD. This variant is interpreted as pathogenic.

OMIM
Classification: Pathogenic for MUSCULAR DYSTROPHY, LIMB-GIRDLE, AUTOSOMAL RECESSIVE 8. Last evaluated: 2012-10-05. Review status: no assertion criteria provided. Collection method: literature only. Allele origin: germline. Not counted in ClinVar's aggregate classification.

Literature cited by the submitters: PubMed 11822024 (cited by 5 submitters); PubMed 15786463 (cited by 4 submitters); PubMed 23142638 (cited by Dasa and Labcorp Genetics (formerly Invitae), Labcorp); PubMed 21775502 (cited by 4 submitters); PubMed 32528171 (cited by Institute of Human Genetics, Univ. Regensburg, Univ. Regensburg); PubMed 34106991 (cited by Institute of Human Genetics, Univ. Regensburg, Univ. Regensburg); PubMed 4269389 (cited by OMIM); PubMed 10399877 (cited by OMIM); PubMed 15886712 (cited by OMIM); PubMed 17994549 (cited by OMIM); PubMed 19349376 (cited by OMIM); PubMed 22981120 (cited by OMIM).

NM_012210.4(TRIM32):c.1459G>A (p.Asp487Asn)

Genes: ASTN2 (astrotactin 2; minus strand), TRIM32 (tripartite motif containing 32; plus strand). Cytogenetic location: 9q33.1.
Variant type: single nucleotide variant.
Coding change: c.1459G>A on transcript NM_012210.4 (MANE Select); coding-DNA position 1459, G replaced by A.
Protein change: p.Asp487Asn; replaces aspartic acid 487 with asparagine.
Molecular consequence: missense variant. On other transcripts: intron variant (3).
Genome position (GRCh38, 1-based): chr9:116,699,201, G>A. VCF-style: chr9-116699201-G-A. GRCh37 (hg19) VCF-style: chr9-119461480-G-A.
Other names: TRIM32, ASP487ASN (rs111033570); c.1459G>A, p.Asp487Asn (NM_001099679.2, NM_001379048.1, NM_001379049.1 and 1 more transcripts); c.2653+26570C>T (NM_014010.5); c.2794+26570C>T (NM_001365069.1); c.2806+26570C>T (NM_001365068.1); short protein forms D487N.
Identifiers: ClinVar variation 7350 (VCV000007350.22), dbSNP rs111033570, ClinGen allele CA118728.